The following is an entry in ClinVar:

NM_194248.3(OTOF):c.2010C>T (p.Asn670=)

Gene: OTOF (otoferlin; minus strand). Cytogenetic location: 2p23.3.
Variant type: single nucleotide variant.
Coding change: c.2010C>T on transcript NM_194248.3 (MANE Select); coding-DNA position 2010, C replaced by T.
Protein change: p.Asn670=; no amino-acid change (asparagine 670 retained).
Molecular consequence: synonymous variant.
Genome position (GRCh38, 1-based): chr2:26,479,556, G>A on the plus strand (C>T on the coding strand, the complement: OTOF is on the minus strand). VCF-style: chr2-26479556-G-A. GRCh37 (hg19) VCF-style: chr2-26702424-G-A.
Other names: c.2010C>T, p.Asn670= (NM_001287489.2).
Identifiers: ClinVar variation 48183 (VCV000048183.14), dbSNP rs374029967, ClinGen allele CA142774.
Genomic context (GRCh38, chr2:26,479,556, plus strand): 5'-TGGTGGAGTGGAGGAGACTGAGGCCAGGTCCCCGGCATCACCGGCCTCGTCATCACTTGC[G>A]TTCTGAATCAGGTCTACTTCTTCCTCATCCCCCGGCTCCTTCCGGGGCCGAGGCCGCTGG-3'
Protein context (NP_919224.1, residues 660-680): GDEEEVDLIQ[Asn670=]ASDDEAGDAG

ClinVar aggregate classification (germline): Likely benign. Review status: criteria provided, multiple submitters, no conflicts (2 of 4 stars). 3 submissions from 3 submitters: Likely benign (3). Last evaluated 2025-06-22.

Allele frequency attached by ClinVar (database versions not stated): gnomAD exomes 0.00003 and 0.00001; ExAC 0.00005; gnomAD 0.00002; TOPMed 0.00002.
gnomAD v4.1: 38 of 1,612,486 alleles (0.0024%); highest among the groups gnomAD compares: East Asian, 0.011%; no homozygotes.

Submissions (3):

Labcorp Genetics (formerly Invitae), Labcorp
Classification: Likely benign. Last evaluated: 2025-06-22. Review status: criteria provided, single submitter. Criteria: Invitae Variant Classification Sherloc (09022015). Collection method: clinical testing. Allele origin: germline.

Blueprint Genetics
Classification: Likely benign. Last evaluated: 2024-09-09. Review status: criteria provided, single submitter. Criteria: ACMG Guidelines, 2015. Collection method: clinical testing. Allele origin: germline.

Laboratory for Molecular Medicine, Mass General Brigham Personalized Medicine
Classification: Likely benign. Last evaluated: 2012-04-17. Review status: criteria provided, single submitter. Criteria: LMM Criteria. Collection method: clinical testing. Allele origin: germline. Observed: 1 variant allele.
Comment: Asn670Asn in exon 17 of OTOF: This variant is not expected to have clinical sign ificance because it does not alter an amino acid residue and is not located with in the splice consensus sequence.